The following is an entry in ClinVar:

NM_005993.5(TBCD):c.914G>T (p.Gly305Val)

Gene: TBCD (tubulin folding cofactor D). Cytogenetic location: 17q25.3.
Variant type: single nucleotide variant.
Coding change: c.914G>T on transcript NM_005993.5 (MANE Select); coding-DNA position 914, G replaced by T.
Protein change: p.Gly305Val; replaces glycine 305 with valine.
Molecular consequence: missense variant.
Genome position (GRCh38, 1-based): chr17:82,800,960, G>T. VCF-style: chr17-82800960-G-T. GRCh37 (hg19) VCF-style: chr17-80758836-G-T.
Other names: c.863G>T, p.Gly288Val (NM_001411101.1); c.914G>T, p.Gly305Val (NM_001411102.1, NM_001437989.1); c.725G>T, p.Gly242Val (NM_001438250.1); short protein forms G242V, G288V, G305V.
Identifiers: ClinVar variation 4685132 (VCV004685132.1).

ClinVar aggregate classification (germline): Uncertain significance (1 of 4 stars; one submission).

gnomAD v4.1: 3 of 1,611,980 alleles (0.00019%); highest among the groups gnomAD compares: Admixed American, 0.005%; no homozygotes.

Submission:

GeneDx
Classification: Uncertain significance. Last evaluated: 2025-07-09. Review status: criteria provided, single submitter. Criteria: GeneDx Variant Classification Process June 2021. Collection method: clinical testing. Allele origin: germline. Affected: yes.
Comment: In silico analysis supports that this missense variant has a deleterious effect on protein structure/function; Has not been previously published as pathogenic or benign to our knowledge